The following is an entry in ClinVar:

ClinVar aggregate classification (germline): Uncertain significance (1 of 4 stars; one submission).

Submission:

Ambry Genetics
Classification: Uncertain significance. Last evaluated: 2026-05-14. Review status: criteria provided, single submitter. Criteria: Ambry Variant Classification Scheme 2023. Collection method: clinical testing. Allele origin: germline.
Comment: The p.K170N variant (also known as c.510A>C), located in coding exon 3 of the ATRIP gene, results from an A to C substitution at nucleotide position 510. The lysine at codon 170 is replaced by asparagine, an amino acid with similar properties. This amino acid position is conserved. In addition, this alteration is predicted to be tolerated by in silico analysis. Based on the available evidence, the clinical significance of this variant remains unclear.

NM_130384.3(ATRIP):c.510A>C (p.Lys170Asn)

Genes: ATRIP (ATR interacting protein; plus strand), ATRIP-TREX1 (ATRIP-TREX1 readthrough; plus strand). Cytogenetic location: 3p21.31.
Variant type: single nucleotide variant.
Coding change: c.510A>C on transcript NM_130384.3 (MANE Select); coding-DNA position 510, A replaced by C.
Protein change: p.Lys170Asn; replaces lysine 170 with asparagine.
Molecular consequence: missense variant. On other transcripts: non-coding transcript variant (1).
Genome position (GRCh38, 1-based): chr3:48,451,857, A>C. VCF-style: chr3-48451857-A-C. GRCh37 (hg19) VCF-style: chr3-48493263-A-C.
Other names: c.129A>C, p.Lys43Asn (NM_001271022.2); c.231A>C, p.Lys77Asn (NM_001271023.2); c.510A>C, p.Lys170Asn (NM_032166.4); short protein forms K170N, K43N, K77N.
Identifiers: ClinVar variation 4867239 (VCV004867239.1).